The following is an entry in ClinVar:

ClinVar aggregate classification (germline): Uncertain significance (1 of 4 stars; one submission).

gnomAD v4.1: 7 of 1,612,540 alleles (0.00043%); highest among the groups gnomAD compares: Non-Finnish European, 0.00059%; no homozygotes.

Submission:

Labcorp Genetics (formerly Invitae), Labcorp
Classification: Uncertain significance. Last evaluated: 2024-07-22. Review status: criteria provided, single submitter. Criteria: Invitae Variant Classification Sherloc (09022015). Collection method: clinical testing. Allele origin: germline.
Comment: This sequence change replaces lysine, which is basic and polar, with asparagine, which is neutral and polar, at codon 651 of the MKL1 protein (p.Lys651Asn). This variant is not present in population databases (gnomAD no frequency). This variant has not been reported in the literature in individuals affected with MKL1-related conditions. An algorithm developed to predict the effect of missense changes on protein structure and function (PolyPhen-2) suggests that this variant is likely to be tolerated. In summary, the available evidence is currently insufficient to determine the role of this variant in disease. Therefore, it has been classified as a Variant of Uncertain Significance.

NM_020831.6(MRTFA):c.2253G>C (p.Lys751Asn)

Gene: MRTFA (myocardin related transcription factor A; minus strand). Cytogenetic location: 22q13.1.
Variant type: single nucleotide variant.
Coding change: c.2253G>C on transcript NM_020831.6 (MANE Select); coding-DNA position 2253, G replaced by C.
Protein change: p.Lys751Asn; replaces lysine 751 with asparagine.
Molecular consequence: missense variant.
Genome position (GRCh38, 1-based): chr22:40,418,485, C>G on the plus strand (G>C on the coding strand, the complement: MRTFA is on the minus strand). VCF-style: chr22-40418485-C-G. GRCh37 (hg19) VCF-style: chr22-40814489-C-G.
Other names: c.1953G>C, p.Lys651Asn (NM_001282660.2); c.2103G>C, p.Lys701Asn (NM_001282661.3); c.2253G>C, p.Lys751Asn (NM_001282662.3); c.2058G>C, p.Lys686Asn (NM_001318139.2); short protein forms K686N, K751N, K651N, K701N.
Identifiers: ClinVar variation 3697569 (VCV003697569.2).